The following is an entry in ClinVar:

NM_007294.4(BRCA1):c.1603G>T (p.Gly535Ter)

Gene: BRCA1 (BRCA1 DNA repair associated; minus strand). Cytogenetic location: 17q21.31.
Variant type: single nucleotide variant.
Coding change: c.1603G>T on transcript NM_007294.4 (MANE Select); coding-DNA position 1603, G replaced by T.
Protein change: p.Gly535Ter; replaces glycine 535 with a stop codon.
Molecular consequence: nonsense. On other transcripts: intron variant (137).
Genome position (GRCh38, 1-based): chr17:43,093,928, C>A on the plus strand (G>T on the coding strand, the complement: BRCA1 is on the minus strand). VCF-style: chr17-43093928-C-A. GRCh37 (hg19) VCF-style: chr17-41245945-C-A.
Other names: c.1462G>T, p.Gly488Ter (NM_001407695.1, NM_001407696.1, NM_001407697.1 and 29 more transcripts); c.1459G>T, p.Gly487Ter (NM_001407740.1, NM_001407741.1, NM_001407742.1 and 20 more transcripts); c.1390G>T, p.Gly464Ter (NM_001407853.1, NM_001407894.1, NM_001407895.1 and 9 more transcripts); c.1603G>T, p.Gly535Ter (NM_001407854.1, NM_001407858.1, NM_001407859.1 and 30 more transcripts); c.1600G>T, p.Gly534Ter (NM_001407860.1, NM_001407861.1, NM_001407587.1 and 22 more transcripts); c.1402G>T, p.Gly468Ter (NM_001407862.1); c.1480G>T, p.Gly494Ter (NM_001407863.1, NM_001407919.1, NM_001407937.1 and 19 more transcripts); c.1399G>T, p.Gly467Ter (NM_001407874.1, NM_001407875.1); and 40 more; short protein forms G488*, G535*, G424*, G467*, G367*, G407*, G408*, G487*.
Identifiers: ClinVar variation 1049776 (VCV001049776.2), dbSNP rs1555591488, ClinGen allele CA10598834.
Genomic context (GRCh38, chr17:43,093,928, plus strand): 5'-TCTCATGACCACTATTAGTAATATTCATCACTTGACCATTCTGCTCCGTTTGGTTAGTTC[C>A]CTGATTTATCATTTCAGGAGTCTTTTGAACTGCCAAATCTGCTTTCTTGATAAAATCCTC-3'

ClinVar aggregate classification (germline): Pathogenic (0 of 4 stars; one submission).

Submission:

Department of Pathology and Laboratory Medicine, Sinai Health System
Classification: Pathogenic. Review status: no assertion criteria provided. Collection method: clinical testing. Allele origin: unknown. Affected: yes. Study: The Canadian Open Genetics Repository (COGR).
Comment: The BRCA1 p.Gly535* variant was identified in 1 of 200 proband chromosomes (frequency: 0.005) from individuals or families with ovarian cancer (Koczkowska 2016). The variant was not identified in dbSNP, ClinVar or UMD-LSDB. The variant was not identified in the following control databases: the Exome Aggregation Consortium (August 8th 2016) or the Genome Aggregation Database (Feb 27, 2017). The p.Gly535* variant leads to a premature stop codon at position 535 which is predicted to lead to a truncated or absent protein and loss of function. Loss of function variants of the BRCA1 gene are an established mechanism of disease in breast and ovarian cancer and is the type of variant expected to cause the disorder. In summary, based on the above information this variant meets our laboratoryâ€šÃ„Ã´s criteria to be classified as pathogenic.